The following is an entry in ClinVar:

ClinVar aggregate classification (germline): Uncertain significance (1 of 4 stars; one submission).

Allele frequency attached by ClinVar (database versions not stated): gnomAD exomes below 0.00001.
gnomAD v4.1: 1 of 1,545,832 alleles (0.000065%); highest among the groups gnomAD compares: Non-Finnish European, 0.000087%; no homozygotes.

Submission:

GeneDx
Classification: Uncertain significance. Last evaluated: 2019-06-26. Review status: criteria provided, single submitter. Criteria: GeneDx Variant Classification Process June 2021. Collection method: clinical testing. Allele origin: germline. Affected: yes.
Comment: Not observed in large population cohorts (Lek et al., 2016); In silico analysis, which includes protein predictors and evolutionary conservation, supports a deleterious effect; Has not been previously published as pathogenic or benign to our knowledge

NM_013382.7(POMT2):c.222C>G (p.His74Gln)

Gene: POMT2 (protein O-mannosyltransferase 2; minus strand). Cytogenetic location: 14q24.3.
Variant type: single nucleotide variant.
Coding change: c.222C>G on transcript NM_013382.7 (MANE Select); coding-DNA position 222, C replaced by G.
Protein change: p.His74Gln; replaces histidine 74 with glutamine.
Molecular consequence: missense variant.
Genome position (GRCh38, 1-based): chr14:77,320,460, G>C on the plus strand (C>G on the coding strand, the complement: POMT2 is on the minus strand). VCF-style: chr14-77320460-G-C. GRCh37 (hg19) VCF-style: chr14-77786803-G-C.
Other names: short protein forms H74Q.
Identifiers: ClinVar variation 1302139 (VCV001302139.2), dbSNP rs1474905955, ClinGen allele CA390504337.
Genomic context (GRCh38, chr14:77,320,460, plus strand): 5'-CCATGGTGCCCGCCGAGTCCCTCCCATCACTCACCAGATGTGCGGCGGCTCGTCCAAGCG[G>C]TGGAAGCGGGTGGCGAAGGACAGCAGCGTCACCAAGGCCAGCAGGGCCCACCAGCCGACC-3'
Protein context (NP_037514.2, residues 64-84): VTLLSFATRF[His74Gln]RLDEPPHICW